The following is an entry in ClinVar:

NM_000536.4(RAG2):c.242A>G (p.Lys81Arg)

Gene: RAG2 (recombination activating 2; minus strand). Cytogenetic location: 11p12.
Variant type: single nucleotide variant.
Coding change: c.242A>G on transcript NM_000536.4 (MANE Select); coding-DNA position 242, A replaced by G.
Protein change: p.Lys81Arg; replaces lysine 81 with arginine.
Molecular consequence: missense variant.
Genome position (GRCh38, 1-based): chr11:36,593,927, T>C on the plus strand (A>G on the coding strand, the complement: RAG2 is on the minus strand). VCF-style: chr11-36593927-T-C. GRCh37 (hg19) VCF-style: chr11-36615477-T-C.
Other names: c.242A>G, p.Lys81Arg (NM_001243785.2, NM_001243786.2); short protein forms K81R.
Identifiers: ClinVar variation 662108 (VCV000662108.6), dbSNP rs777051349, ClinGen allele CA5950603.
Genomic context (GRCh38, chr11:36,593,927, plus strand): 5'-TTGTTTGGTGTTTTCCCTCCATGGATGATGTATTGATGCTTTTCAGACTCCAAGCTGCCT[T>C]TGAATGTGCAAGTGGCTGGGTAGCGAAGAGGAGGGAGGTAGCAGGAATCCTTAGAGAAAA-3'
Protein context (NP_000527.2, residues 71-91): PLRYPATCTF[Lys81Arg]GSLESEKHQY

ClinVar aggregate classification (germline): Uncertain significance. Review status: criteria provided, single submitter (1 of 4 stars). 2 submissions from 2 submitters: Uncertain significance (1). 1 of the submissions does not count toward it. Last evaluated 2021-09-01.

Conditions:
Combined immunodeficiency with skin granulomas. Identifiers: Orphanet 157949, MedGen C2673536, MONDO:0009306, OMIM 233650.
Severe combined immunodeficiency, autosomal recessive, T cell-negative, B cell-negative, NK cell-positive. Also called: Severe combined immunodeficiency due to complete RAG1/2 deficiency; SCID, T CELL-NEGATIVE, B CELL-NEGATIVE, NK CELL-POSITIVE; SCID, AR, T-cell negative, B-cell negative, NK cell-positive. Identifiers: Orphanet 331206, MedGen C1832322, MONDO:0011086, OMIM 601457.
Histiocytic medullary reticulosis. Also called: SEVERE COMBINED IMMUNODEFICIENCY WITH HYPEREOSINOPHILIA; Omenn syndrome. Identifiers: Orphanet 39041, MedGen C2700553, MONDO:0011338, OMIM 603554.

Allele frequency attached by ClinVar (database versions not stated): gnomAD exomes 0.00001 and 0.00007; TOPMed 0.00001; ExAC 0.00002; gnomAD 0.00002.

Submissions (2):

Labcorp Genetics (formerly Invitae), Labcorp
Classification: Uncertain significance for Combined immunodeficiency with skin granulomas; Severe combined immunodeficiency, autosomal recessive, T cell-negative, B cell-negative, NK cell-positive. Last evaluated: 2021-09-01. Review status: criteria provided, single submitter. Criteria: Invitae Variant Classification Sherloc (09022015). Collection method: clinical testing. Allele origin: germline.
Comment: This sequence change replaces lysine with arginine at codon 81 of the RAG2 protein (p.Lys81Arg). The lysine residue is moderately conserved and there is a small physicochemical difference between lysine and arginine. This variant is present in population databases (rs777051349, ExAC 0.003%). This variant has not been reported in the literature in individuals affected with RAG2-related conditions. Algorithms developed to predict the effect of missense changes on protein structure and function output the following: SIFT: "Tolerated"; PolyPhen-2: "Benign"; Align-GVGD: "Class C0". The arginine amino acid residue is found in multiple mammalian species, which suggests that this missense change does not adversely affect protein function. Algorithms developed to predict the effect of sequence changes on RNA splicing suggest that this variant may create or strengthen a splice site. In summary, the available evidence is currently insufficient to determine the role of this variant in disease. Therefore, it has been classified as a Variant of Uncertain Significance.

Natera, Inc.
Classification: Uncertain significance for Omenn syndrome. Last evaluated: 2020-12-15. Review status: no assertion criteria provided. Collection method: clinical testing. Allele origin: germline. Not counted in ClinVar's aggregate classification.